The following is an entry in ClinVar:

NM_000145.4(FSHR):c.710G>A (p.Gly237Asp)

Gene: FSHR (follicle stimulating hormone receptor; minus strand). Cytogenetic location: 2p16.3.
Variant type: single nucleotide variant.
Coding change: c.710G>A on transcript NM_000145.4 (MANE Select); coding-DNA position 710, G replaced by A.
Protein change: p.Gly237Asp; replaces glycine 237 with aspartic acid.
Molecular consequence: missense variant.
Genome position (GRCh38, 1-based): chr2:48,968,842, C>T on the plus strand (G>A on the coding strand, the complement: FSHR is on the minus strand). VCF-style: chr2-48968842-C-T. GRCh37 (hg19) VCF-style: chr2-49195981-C-T.
Other names: c.632G>A, p.Gly211Asp (NM_181446.3); short protein forms G211D, G237D.
Identifiers: ClinVar variation 1709993 (VCV001709993.2), dbSNP rs1427978053, ClinGen allele CA346769229.

ClinVar aggregate classification (germline): Uncertain significance (1 of 4 stars; one submission).

Conditions:
Ovarian hyperstimulation syndrome (OHSS). Also called: OVARIAN HYPERSTIMULATION SYNDROME, FAMILIAL GESTATIONAL SPONTANEOUS. Identifiers: Orphanet 64739, MedGen C0085083, MONDO:0011972, OMIM 608115.

Submission:

MGZ Medical Genetics Center
Classification: Uncertain significance for Ovarian hyperstimulation syndrome. Last evaluated: 2021-10-05. Review status: criteria provided, single submitter. Criteria: ACMG Guidelines, 2015. Collection method: clinical testing. Allele origin: germline. Affected: yes. Observed: 1 variant allele.
Comment: ACMG criteria applied: PM2_SUP